The following is an entry in ClinVar:

ClinVar aggregate classification (germline): Likely pathogenic. Review status: criteria provided, multiple submitters, no conflicts (2 of 4 stars). 2 submissions from 2 submitters: Likely pathogenic (2). Last evaluated 2026-06-24.

Conditions:
Polycystic kidney disease, adult type (PKD1). Also called: Polycystic Kidney, Autosomal Dominant; POLYCYSTIC KIDNEY DISEASE, ADULT, TYPE I; Polycystic Kidney Disease 1, Autosomal Dominant; Polycystic kidney disease 1; Polycystic kidney disease 1, severe; POLYCYSTIC KIDNEY DISEASE 1 WITH OR WITHOUT POLYCYSTIC LIVER DISEASE. Identifiers: MedGen C3149841, MONDO:0008263, OMIM 173900.

Submissions (2):

Women's Health and Genetics/Laboratory Corporation of America, LabCorp
Classification: Likely pathogenic for Polycystic kidney disease, adult type. Last evaluated: 2026-06-24. Review status: criteria provided, single submitter. Criteria: LabCorp Variant Classification Summary - May 2015. Collection method: clinical testing. Allele origin: germline.
Comment: Variant summary: PKD1 c.8930C>T (p.Thr2977Ile) results in a non-conservative amino acid change in the encoded protein sequence. Algorithms developed to predict the effect of missense changes on protein structure and function are either unavailable or do not agree on the potential impact of this missense change. The variant was absent in 248532 control chromosomes. c.8930C>T has been observed in individuals affected with Polycystic Kidney Disease 1 (Audreze_2012, Poniska_2023, Neumann_2013). These data indicate that the variant is likely to be associated with disease. To our knowledge, no experimental evidence demonstrating an impact on protein function has been reported. The following publications have been ascertained in the context of this evaluation (PMID: 22508176, 23300259, 38002926). ClinVar contains an entry for this variant (Variation ID: 3579143). Based on the evidence outlined above, the variant was classified as likely pathogenic.

Fulgent Genetics
Classification: Likely pathogenic for Polycystic kidney disease, adult type. Last evaluated: 2024-05-28. Review status: criteria provided, single submitter. Criteria: ACMG Guidelines, 2015. Collection method: clinical testing. Allele origin: germline.

Literature cited by the submitters: PubMed 23300259 (cited by Women's Health and Genetics/Laboratory Corporation of America, LabCorp); PubMed 22508176 (cited by Women's Health and Genetics/Laboratory Corporation of America, LabCorp); PubMed 38002926 (cited by Women's Health and Genetics/Laboratory Corporation of America, LabCorp).

NM_001009944.3(PKD1):c.8930C>T (p.Thr2977Ile)

Gene: PKD1 (polycystin 1, transient receptor potential channel interacting; minus strand). Cytogenetic location: 16p13.3.
Variant type: single nucleotide variant.
Coding change: c.8930C>T on transcript NM_001009944.3 (MANE Select); coding-DNA position 8930, C replaced by T.
Protein change: p.Thr2977Ile; replaces threonine 2977 with isoleucine.
Molecular consequence: missense variant.
Genome position (GRCh38, 1-based): chr16:2,102,832, G>A on the plus strand (C>T on the coding strand, the complement: PKD1 is on the minus strand). VCF-style: chr16-2102832-G-A. GRCh37 (hg19) VCF-style: chr16-2152833-G-A.
Other names: c.8930C>T, p.Thr2977Ile (NM_000296.4); short protein forms T2977I.
Identifiers: ClinVar variation 3579143 (VCV003579143.2).